The following is an entry in ClinVar:

NM_032581.4(HYCC1):c.286C>T (p.His96Tyr)

Gene: HYCC1 (hyccin PI4KA lipid kinase complex subunit 1; minus strand). Cytogenetic location: 7p15.3.
Variant type: single nucleotide variant.
Coding change: c.286C>T on transcript NM_032581.4 (MANE Select); coding-DNA position 286, C replaced by T.
Protein change: p.His96Tyr; replaces histidine 96 with tyrosine.
Molecular consequence: missense variant.
Genome position (GRCh38, 1-based): chr7:22,978,316, G>A on the plus strand (C>T on the coding strand, the complement: HYCC1 is on the minus strand). VCF-style: chr7-22978316-G-A. GRCh37 (hg19) VCF-style: chr7-23017935-G-A.
Other names: c.286C>T, p.His96Tyr (NM_001363466.2, NM_001363467.2); short protein forms H96Y.
Identifiers: ClinVar variation 2156239 (VCV002156239.4), dbSNP rs1784786523, ClinGen allele CA366976663.
Genomic context (GRCh38, chr7:22,978,316, plus strand): 5'-ATTAAATACAAACCAAATTGTAAACCCCTAGAAGAAGAGCTTCAATGCATCCACTGCTAT[G>A]CACATTTCTGCTGGCTGAGACTGCAAGGTAGCACCAAATTAGTTCTGGGAGAAATTGCAG-3'
Protein context (NP_115970.2, residues 86-106): YLAVSASRNV[His96Tyr]SSGCIEALLL

ClinVar aggregate classification (germline): Uncertain significance (1 of 4 stars; one submission).

Conditions:
Hypomyelination and Congenital Cataract (HLD5). Also called: hypomyelinating leukodystrophy 5. Identifiers: Orphanet 85163, MedGen C1864663, MONDO:0012514, OMIM 610532.

Allele frequency attached by ClinVar (database versions not stated): gnomAD 0.00001.
gnomAD v4.1: 1 of 1,613,954 alleles (0.000062%); highest among the groups gnomAD compares: Admixed American, 0.0017%; no homozygotes.

Submission:

Labcorp Genetics (formerly Invitae), Labcorp
Classification: Uncertain significance for Hypomyelination and Congenital Cataract. Last evaluated: 2022-07-26. Review status: criteria provided, single submitter. Criteria: Invitae Variant Classification Sherloc (09022015). Collection method: clinical testing. Allele origin: germline.
Comment: This sequence change replaces histidine, which is basic and polar, with tyrosine, which is neutral and polar, at codon 96 of the FAM126A protein (p.His96Tyr). In summary, the available evidence is currently insufficient to determine the role of this variant in disease. Therefore, it has been classified as a Variant of Uncertain Significance. Algorithms developed to predict the effect of missense changes on protein structure and function are either unavailable or do not agree on the potential impact of this missense change (SIFT: "Tolerated"; PolyPhen-2: "Possibly Damaging"; Align-GVGD: "Class C0"). This variant has not been reported in the literature in individuals affected with FAM126A-related conditions. This variant is not present in population databases (gnomAD no frequency).